The following is an entry in ClinVar:

ClinVar aggregate classification (germline): Benign (0 of 4 stars; one submission).

Conditions:
GIGYF1-related disorder. Also called: GIGYF1-related condition.

Allele frequency attached by ClinVar (database versions not stated): 1000 Genomes Project 0.00679; 1000 Genomes Project 30x 0.00687; gnomAD 0.00928; ExAC 0.01005; TOPMed 0.01009; ESP Exome Variant Server 0.01092.
gnomAD v4.1: 20,266 of 1,614,000 alleles (1.3%); highest among the groups gnomAD compares: Non-Finnish European, 1.5%; 175 homozygotes.

Submission:

PreventionGenetics, part of Exact Sciences
Classification: Benign for GIGYF1-related condition. Last evaluated: 2019-10-21. Review status: no assertion criteria provided. Collection method: clinical testing. Allele origin: germline.
Comment: This variant is classified as benign based on ACMG/AMP sequence variant interpretation guidelines (Richards et al. 2015 PMID: 25741868, with internal and published modifications).

NM_001375765.1(GIGYF1):c.837A>G (p.Arg279=)

Gene: GIGYF1 (GRB10 interacting GYF protein 1; minus strand). Cytogenetic location: 7q22.1.
Variant type: single nucleotide variant.
Coding change: c.837A>G on transcript NM_001375765.1 (MANE Select); coding-DNA position 837, A replaced by G.
Protein change: p.Arg279=; no amino-acid change (arginine 279 retained).
Molecular consequence: synonymous variant. On other transcripts: non-coding transcript variant (1).
Genome position (GRCh38, 1-based): chr7:100,686,291, T>C on the plus strand (A>G on the coding strand, the complement: GIGYF1 is on the minus strand). VCF-style: chr7-100686291-T-C. GRCh37 (hg19) VCF-style: chr7-100283914-T-C.
Other names: NM_022574.4:c.837A>G; c.837A>G, p.Arg279= (NM_001375759.1, NM_001375760.1, NM_001375761.1 and 6 more transcripts).
Identifiers: ClinVar variation 3060514 (VCV003060514.2), dbSNP rs143725633, ClinGen allele CA4388810.
Genomic context (GRCh38, chr7:100,686,291, plus strand): 5'-CTCATCGTCCAGGCACCACTCTGGGAGCCCATCCTTGTCCTCCTCAAAGCCTTCAGGCGC[T>C]CGGCACCGCCGCAGGTGAGAGCTGCCTCCCCCTCCCCGCCCCTCCTCTTCACCACACCCT-3'
Protein context (NP_001362694.1, residues 269-289): GGGSSHLRRC[Arg279=]APEGFEEDKD